The following is an entry in ClinVar:

ClinVar aggregate classification (germline): Likely benign. Review status: criteria provided, multiple submitters, no conflicts (2 of 4 stars). 3 submissions from 3 submitters: Likely benign (3). Last evaluated 2024-06-03.

Conditions:
Charcot-Marie-Tooth disease axonal type 2P. Also called: CHARCOT-MARIE-TOOTH NEUROPATHY, TYPE 2P; CHARCOT-MARIE-TOOTH DISEASE, AXONAL, TYPE 2G; CMT 2G; Charcot-Marie-Tooth Neuropathy Type 2G. Identifiers: Orphanet 300319, Orphanet 99941, MedGen C3280797, MONDO:0013753, OMIM 614436.
Inborn genetic diseases. Identifiers: MedGen C0950123, MeSH D030342.

Allele frequency attached by ClinVar (database versions not stated): gnomAD 0.00001; gnomAD exomes 0.00001; TOPMed 0.00003; ExAC 0.00002.
gnomAD v4.1: 10 of 1,613,950 alleles (0.00062%); highest among the groups gnomAD compares: African/African-American, 0.0027%; no homozygotes.

Submissions (3):

Ambry Genetics
Classification: Likely benign for Inborn genetic diseases. Last evaluated: 2024-06-03. Review status: criteria provided, single submitter. Criteria: Ambry Variant Classification Scheme 2023. Collection method: clinical testing. Allele origin: germline.

Labcorp Genetics (formerly Invitae), Labcorp
Classification: Likely benign for Charcot-Marie-Tooth disease axonal type 2P. Last evaluated: 2021-05-07. Review status: criteria provided, single submitter. Criteria: Invitae Variant Classification Sherloc (09022015). Collection method: clinical testing. Allele origin: germline.

GeneDx
Classification: Likely benign. Last evaluated: 2018-08-21. Review status: criteria provided, single submitter. Criteria: GeneDx Variant Classification Process June 2021. Collection method: clinical testing. Allele origin: germline. Affected: yes.
Comment: See Variant Classification Assertion Criteria.

NM_001005373.4(LRSAM1):c.1161C>T (p.Ser387=)

Gene: LRSAM1 (leucine rich repeat and sterile alpha motif containing 1; plus strand). Cytogenetic location: 9q33.3.
Variant type: single nucleotide variant.
Coding change: c.1161C>T on transcript NM_001005373.4 (MANE Select); coding-DNA position 1161, C replaced by T.
Protein change: p.Ser387=; no amino-acid change (serine 387 retained).
Molecular consequence: synonymous variant. On other transcripts: non-coding transcript variant (2).
Genome position (GRCh38, 1-based): chr9:127,485,737, C>T. VCF-style: chr9-127485737-C-T. GRCh37 (hg19) VCF-style: chr9-130248016-C-T.
Other names: c.1161C>T, p.Ser387= (NM_001005374.4, NM_001190723.3, NM_001384142.1 and 2 more transcripts); c.372C>T, p.Ser124= (NM_001384144.1); c.1161C>T (NM_138361.4).
Identifiers: ClinVar variation 729483 (VCV000729483.11), dbSNP rs763903913, ClinGen allele CA5246881.